The following is an entry in ClinVar:

NM_001048174.2(MUTYH):c.1475A>G (p.Lys492Arg)

Gene: MUTYH (mutY DNA glycosylase; minus strand). Cytogenetic location: 1p34.1.
Variant type: single nucleotide variant.
Coding change: c.1475A>G on transcript NM_001048174.2 (MANE Select); coding-DNA position 1475, A replaced by G.
Protein change: p.Lys492Arg; replaces lysine 492 with arginine.
Molecular consequence: missense variant. On other transcripts: non-coding transcript variant (2).
Genome position (GRCh38, 1-based): chr1:45,329,397, T>C on the plus strand (A>G on the coding strand, the complement: MUTYH is on the minus strand). VCF-style: chr1-45329397-T-C. GRCh37 (hg19) VCF-style: chr1-45795069-T-C.
Other names: c.1475A>G, p.Lys492Arg (NM_001048171.2, NM_001048173.2, NM_001293195.2); c.1478A>G, p.Lys493Arg (NM_001048172.2); c.1559A>G, p.Lys520Arg (NM_001128425.2); c.1520A>G, p.Lys507Arg (NM_001293190.2); c.1508A>G, p.Lys503Arg (NM_001293191.2); c.1199A>G, p.Lys400Arg (NM_001293192.2, NM_001293196.2); c.1130A>G, p.Lys377Arg (NM_001350650.2, NM_001350651.2); c.1550A>G, p.Lys517Arg (NM_012222.3); and 1 more; short protein forms K377R, K400R, K492R, K493R, K503R, K507R, K517R, K520R.
Identifiers: ClinVar variation 1023922 (VCV001023922.9), dbSNP rs1644370527, ClinGen allele CA340131804.

ClinVar aggregate classification (germline): Conflicting classifications of pathogenicity. Review status: criteria provided, conflicting classifications (1 of 4 stars). 2 submissions from 2 submitters: Uncertain significance (1); Benign (1). Last evaluated 2025-09-09.

Conditions:
Hereditary cancer-predisposing syndrome. Also called: Neoplastic Syndromes, Hereditary; Hereditary Cancer Syndrome; Hereditary neoplastic syndrome; Tumor predisposition. Identifiers: Orphanet 140162, MedGen C0027672, MeSH D009386, MONDO:0015356.
Familial adenomatous polyposis 2. Also called: COLORECTAL ADENOMATOUS POLYPOSIS, AUTOSOMAL RECESSIVE; ADENOMAS, MULTIPLE COLORECTAL, AUTOSOMAL RECESSIVE; Adenomas, multiple colorectal; FAP type 2; MUTYH Polyposis; MUTYH-associated polyposis. Identifiers: Orphanet 220460, Orphanet 247798, MedGen C3272841, MONDO:0012041, OMIM 608456.

Allele frequency attached by ClinVar (database versions not stated): gnomAD exomes below 0.00001.
gnomAD v4.1: 1 of 1,614,164 alleles (0.000062%); highest among the groups gnomAD compares: Non-Finnish European, 0.000085%; no homozygotes.

Submissions (2):

Ambry Genetics
Classification: Benign for Hereditary cancer-predisposing syndrome. Last evaluated: 2025-09-09. Review status: criteria provided, single submitter. Criteria: Ambry Variant Classification Scheme 2023. Collection method: clinical testing. Allele origin: germline.

Labcorp Genetics (formerly Invitae), Labcorp
Classification: Uncertain significance for Familial adenomatous polyposis 2. Last evaluated: 2024-10-09. Review status: criteria provided, single submitter. Criteria: Invitae Variant Classification Sherloc (09022015). Collection method: clinical testing. Allele origin: germline.
Comment: This sequence change replaces lysine, which is basic and polar, with arginine, which is basic and polar, at codon 520 of the MUTYH protein (p.Lys520Arg). This variant is not present in population databases (gnomAD no frequency). This variant has not been reported in the literature in individuals affected with MUTYH-related conditions. ClinVar contains an entry for this variant (Variation ID: 1023922). An algorithm developed to predict the effect of missense changes on protein structure and function outputs the following: PolyPhen-2: "Benign". The arginine amino acid residue is found in multiple mammalian species, which suggests that this missense change does not adversely affect protein function. In summary, the available evidence is currently insufficient to determine the role of this variant in disease. Therefore, it has been classified as a Variant of Uncertain Significance.